The following is an entry in ClinVar:

NM_006361.6(HOXB13):c.29A>G (p.Asp10Gly)

Gene: HOXB13 (homeobox B13; minus strand). Cytogenetic location: 17q21.32.
Variant type: single nucleotide variant.
Coding change: c.29A>G on transcript NM_006361.6 (MANE Select); coding-DNA position 29, A replaced by G.
Protein change: p.Asp10Gly; replaces aspartic acid 10 with glycine.
Molecular consequence: missense variant.
Genome position (GRCh38, 1-based): chr17:48,728,565, T>C on the plus strand (A>G on the coding strand, the complement: HOXB13 is on the minus strand). VCF-style: chr17-48728565-T-C. GRCh37 (hg19) VCF-style: chr17-46805927-T-C.
Other names: short protein forms D10G.
Identifiers: ClinVar variation 1313221 (VCV001313221.6), dbSNP rs2143075745, ClinGen allele CA400109881.

ClinVar aggregate classification (germline): Uncertain significance. Review status: criteria provided, multiple submitters, no conflicts (2 of 4 stars). 3 submissions from 3 submitters: Uncertain significance (3). Last evaluated 2024-02-08.

Conditions:
Hereditary cancer-predisposing syndrome. Also called: Hereditary neoplastic syndrome; Neoplastic Syndromes, Hereditary; Tumor predisposition; Hereditary Cancer Syndrome. Identifiers: Orphanet 140162, MedGen C0027672, MeSH D009386, MONDO:0015356.

gnomAD v4.1: 1 of 1,612,626 alleles (0.000062%); highest among the groups gnomAD compares: South Asian, 0.0011%; no homozygotes.

Submissions (3):

Labcorp Genetics (formerly Invitae), Labcorp
Classification: Uncertain significance. Last evaluated: 2024-02-08. Review status: criteria provided, single submitter. Criteria: Invitae Variant Classification Sherloc (09022015). Collection method: clinical testing. Allele origin: germline.
Comment: This sequence change replaces aspartic acid, which is acidic and polar, with glycine, which is neutral and non-polar, at codon 10 of the HOXB13 protein (p.Asp10Gly). This variant is not present in population databases (gnomAD no frequency). This variant has not been reported in the literature in individuals affected with HOXB13-related conditions. ClinVar contains an entry for this variant (Variation ID: 1313221). An algorithm developed to predict the effect of missense changes on protein structure and function (PolyPhen-2) suggests that this variant is likely to be tolerated. In summary, the available evidence is currently insufficient to determine the role of this variant in disease. Therefore, it has been classified as a Variant of Uncertain Significance.

Ambry Genetics
Classification: Uncertain significance for Hereditary cancer-predisposing syndrome. Last evaluated: 2023-12-14. Review status: criteria provided, single submitter. Criteria: Ambry Variant Classification Scheme 2023. Collection method: clinical testing. Allele origin: germline.
Comment: The p.D10G variant (also known as c.29A>G), located in coding exon 1 of the HOXB13 gene, results from an A to G substitution at nucleotide position 29. The aspartic acid at codon 10 is replaced by glycine, an amino acid with similar properties. This amino acid position is conserved. In addition, this alteration is predicted to be deleterious by in silico analysis. Since supporting evidence is limited at this time, the clinical significance of this alteration remains unclear.

GeneDx
Classification: Uncertain significance. Last evaluated: 2020-09-28. Review status: criteria provided, single submitter. Criteria: GeneDx Variant Classification Process June 2021. Collection method: clinical testing. Allele origin: germline. Affected: yes.
Comment: Not observed in large population cohorts (Lek 2016); In silico analysis supports that this missense variant does not alter protein structure/function; Has not been previously published as pathogenic or benign to our knowledge